The following is an entry in ClinVar:

NM_000548.5(TSC2):c.2098-17G>T

Gene: TSC2 (TSC complex subunit 2; plus strand). Cytogenetic location: 16p13.3.
Variant type: single nucleotide variant.
Coding change: c.2098-17G>T on transcript NM_000548.5 (MANE Select); 17 bases into the intron before coding-DNA position 2098, G replaced by T.
Molecular consequence: intron variant.
Genome position (GRCh38, 1-based): chr16:2,072,224, G>T. VCF-style: chr16-2072224-G-T. GRCh37 (hg19) VCF-style: chr16-2122225-G-T.
Other names: c.2098-17G>T (NM_001114382.3, NM_021055.3, NM_001370405.1 and 3 more transcripts); c.1987-17G>T (NM_001318827.2); c.1498-17G>T (NM_001318831.2); c.1951-17G>T (NM_001318829.2); c.2131-17G>T (NM_001318832.2).
Identifiers: ClinVar variation 2042758 (VCV002042758.5), dbSNP rs759006353, ClinGen allele CA2580090499.

ClinVar aggregate classification (germline): Likely benign. Review status: criteria provided, multiple submitters, no conflicts (2 of 4 stars). 2 submissions from 2 submitters: Likely benign (2). Last evaluated 2025-05-19.

Conditions:
Tuberous sclerosis 2 (TSC2). Identifiers: Orphanet 805, MedGen C1860707, MONDO:0013199, OMIM 613254.

Submissions (2):

Myriad Genetics, Inc.
Classification: Likely benign for Tuberous sclerosis 2. Last evaluated: 2025-05-19. Review status: criteria provided, single submitter. Criteria: Myriad Autosomal Dominant, Autosomal Recessive and X-Linked Classification Criteria (2023). Collection method: clinical testing. Allele origin: unknown.
Comment: This variant is considered likely benign. This variant is intronic and is not expected to impact mRNA splicing.

Labcorp Genetics (formerly Invitae), Labcorp
Classification: Likely benign for Tuberous sclerosis 2. Last evaluated: 2021-12-14. Review status: criteria provided, single submitter. Criteria: Invitae Variant Classification Sherloc (09022015). Collection method: clinical testing. Allele origin: germline.